The following is an entry in ClinVar:

NM_000352.6(ABCC8):c.1999G>A (p.Val667Ile)

Gene: ABCC8 (ATP binding cassette subfamily C member 8; minus strand). Cytogenetic location: 11p15.1.
Variant type: single nucleotide variant.
Coding change: c.1999G>A on transcript NM_000352.6 (MANE Select); coding-DNA position 1999, G replaced by A.
Protein change: p.Val667Ile; replaces valine 667 with isoleucine.
Molecular consequence: missense variant. On other transcripts: non-coding transcript variant (1).
Genome position (GRCh38, 1-based): chr11:17,428,330, C>T on the plus strand (G>A on the coding strand, the complement: ABCC8 is on the minus strand). VCF-style: chr11-17428330-C-T. GRCh37 (hg19) VCF-style: chr11-17449877-C-T.
Other names: c.1999G>A, p.Val667Ile (NM_001287174.3); c.2065G>A, p.Val689Ile (NM_001351295.2); c.1996G>A, p.Val666Ile (NM_001351296.2, NM_001351297.2); short protein forms V667I, V666I, V689I.
Identifiers: ClinVar variation 2703745 (VCV002703745.3), dbSNP rs2496667766, ClinGen allele CA379815210.
Genomic context (GRCh38, chr11:17,428,330, plus strand): 5'-ATGGGGCAGCAGGACTCACCTGGACACAGCAGTTGTCAGCATCGCCATCTGCACTGGGGA[C>T]CAGGCTCTGCAGTGGGCCGGTGAGGCCCCGACAATCCTCCCGGGCTGGACGCTTGCGGTT-3'
Protein context (NP_000343.2, residues 657-677): RGLTGPLQSL[Val667Ile]PSADGDADNC

ClinVar aggregate classification (germline): Uncertain significance (1 of 4 stars; one submission).

Submission:

Labcorp Genetics (formerly Invitae), Labcorp
Classification: Uncertain significance. Last evaluated: 2023-12-17. Review status: criteria provided, single submitter. Criteria: Invitae Variant Classification Sherloc (09022015). Collection method: clinical testing. Allele origin: germline.
Comment: This sequence change replaces valine, which is neutral and non-polar, with isoleucine, which is neutral and non-polar, at codon 667 of the ABCC8 protein (p.Val667Ile). This variant is not present in population databases (gnomAD no frequency). This variant has not been reported in the literature in individuals affected with ABCC8-related conditions. Advanced modeling of protein sequence and biophysical properties (such as structural, functional, and spatial information, amino acid conservation, physicochemical variation, residue mobility, and thermodynamic stability) has been performed at Invitae for this missense variant, however the output from this modeling did not meet the statistical confidence thresholds required to predict the impact of this variant on ABCC8 protein function. In summary, the available evidence is currently insufficient to determine the role of this variant in disease. Therefore, it has been classified as a Variant of Uncertain Significance.